The following is an entry in ClinVar:

NM_006939.4(SOS2):c.1748A>G (p.Asn583Ser)

Gene: SOS2 (SOS Ras/Rho guanine nucleotide exchange factor 2; minus strand). Cytogenetic location: 14q21.3.
Variant type: single nucleotide variant.
Coding change: c.1748A>G on transcript NM_006939.4 (MANE Select); coding-DNA position 1748, A replaced by G.
Protein change: p.Asn583Ser; replaces asparagine 583 with serine.
Molecular consequence: missense variant.
Genome position (GRCh38, 1-based): chr14:50,159,535, T>C on the plus strand (A>G on the coding strand, the complement: SOS2 is on the minus strand). VCF-style: chr14-50159535-T-C. GRCh37 (hg19) VCF-style: chr14-50626253-T-C.
Other names: c.1649A>G, p.Asn550Ser (NM_001411020.1); short protein forms N583S, N550S.
Identifiers: ClinVar variation 3799924 (VCV003799924.2).

ClinVar aggregate classification (germline): Uncertain significance. Review status: criteria provided, multiple submitters, no conflicts (2 of 4 stars). 2 submissions from 2 submitters: Uncertain significance (2). Last evaluated 2025-05-05.

Conditions:
Cardiovascular phenotype. Identifiers: MedGen CN230736.

Submissions (2):

Women's Health and Genetics/Laboratory Corporation of America, LabCorp
Classification: Uncertain significance. Last evaluated: 2025-05-05. Review status: criteria provided, single submitter. Criteria: LabCorp Variant Classification Summary - May 2015. Collection method: clinical testing. Allele origin: germline.
Comment: Variant summary: SOS2 c.1748A>G (p.Asn583Ser) results in a conservative amino acid change in the encoded protein sequence. Algorithms developed to predict the effect of missense changes on protein structure and function are either unavailable or do not agree on the potential impact of this missense change. The variant was absent in 251086 control chromosomes. The available data on variant occurrences in the general population are insufficient to allow any conclusion about variant significance. To our knowledge, no occurrence of c.1748A>G in individuals affected with Noonan Syndrome and no experimental evidence demonstrating its impact on protein function have been reported. ClinVar contains an entry for this variant (Variation ID: 3799924). Based on the evidence outlined above, the variant was classified as uncertain significance.

Ambry Genetics
Classification: Uncertain significance for Cardiovascular phenotype. Last evaluated: 2025-02-10. Review status: criteria provided, single submitter. Criteria: Ambry Variant Classification Scheme 2023. Collection method: clinical testing. Allele origin: germline.
Comment: The p.N583S variant (also known as c.1748A>G), located in coding exon 10 of the SOS2 gene, results from an A to G substitution at nucleotide position 1748. The asparagine at codon 583 is replaced by serine, an amino acid with highly similar properties. This amino acid position is conserved. In addition, this alteration is predicted to be tolerated by in silico analysis. Based on the available evidence, the clinical significance of this variant remains unclear.